The following is an entry in ClinVar:

NM_001105206.3(LAMA4):c.4169G>A (p.Arg1390Gln)

Gene: LAMA4 (laminin subunit alpha 4; minus strand). Cytogenetic location: 6q21.
Variant type: single nucleotide variant.
Coding change: c.4169G>A on transcript NM_001105206.3 (MANE Select); coding-DNA position 4169, G replaced by A.
Protein change: p.Arg1390Gln; replaces arginine 1390 with glutamine.
Molecular consequence: missense variant.
Genome position (GRCh38, 1-based): chr6:112,129,040, C>T on the plus strand (G>A on the coding strand, the complement: LAMA4 is on the minus strand). VCF-style: chr6-112129040-C-T. GRCh37 (hg19) VCF-style: chr6-112450242-C-T.
Other names: p.Arg1383Gln; c.4148G>A (NM_002290.3); c.4148G>A, p.Arg1383Gln (NM_001105207.3, NM_002290.5); short protein forms R1383Q, R1390Q.
Identifiers: ClinVar variation 1693925 (VCV001693925.11), dbSNP rs200468893, ClinGen allele CA3965042.
Genomic context (GRCh38, chr6:112,129,040, plus strand): 5'-AACAATGGTGAAGACTCAATGGGACACTCATAAAGAGAAGTGTGGACCTTTTCAGTATAC[C>T]GTTGGAAATCTTCAACCTCCACATCTCTATCCACCCTGTGTTTGTAACAGAGGAAAAAAT-3'
Protein context (NP_001098676.2, residues 1380-1400): DRDVEVEDFQ[Arg1390Gln]YTEKVHTSLY

ClinVar aggregate classification (germline): Uncertain significance. Review status: criteria provided, multiple submitters, no conflicts (2 of 4 stars). 3 submissions from 3 submitters: Uncertain significance (3). Last evaluated 2026-01-12.

Conditions:
Cardiovascular phenotype. Identifiers: MedGen CN230736.
Dilated cardiomyopathy 1JJ (CMD1JJ). Identifiers: Orphanet 154, MedGen C3808935, MONDO:0014095, OMIM 615235.

Allele frequency attached by ClinVar (database versions not stated): 1000 Genomes Project 30x 0.00016; 1000 Genomes Project 0.00020.
gnomAD v4.1: 35 of 1,612,474 alleles (0.0022%); highest among the groups gnomAD compares: Non-Finnish European, 0.0022%; no homozygotes.

Submissions (3):

Labcorp Genetics (formerly Invitae), Labcorp
Classification: Uncertain significance for Dilated cardiomyopathy 1JJ. Last evaluated: 2026-01-12. Review status: criteria provided, single submitter. Criteria: Invitae Variant Classification Sherloc (09022015). Collection method: clinical testing. Allele origin: germline.
Comment: This sequence change replaces arginine, which is basic and polar, with glutamine, which is neutral and polar, at codon 1383 of the LAMA4 protein (p.Arg1383Gln). This variant is present in population databases (rs200468893, gnomAD 0.007%). This variant has not been reported in the literature in individuals affected with LAMA4-related conditions. ClinVar contains an entry for this variant (Variation ID: 1693925). Invitae Evidence Modeling of protein sequence and biophysical properties (such as structural, functional, and spatial information, amino acid conservation, physicochemical variation, residue mobility, and thermodynamic stability) indicates that this missense variant is not expected to disrupt LAMA4 protein function with a negative predictive value of 80%. In summary, the available evidence is currently insufficient to determine the role of this variant in disease. Therefore, it has been classified as a Variant of Uncertain Significance.

Ambry Genetics
Classification: Uncertain significance for Cardiovascular phenotype. Last evaluated: 2025-05-29. Review status: criteria provided, single submitter. Criteria: Ambry Variant Classification Scheme 2023. Collection method: clinical testing. Allele origin: germline.

Mayo Clinic Laboratories, Mayo Clinic
Classification: Uncertain significance. Last evaluated: 2021-04-30. Review status: criteria provided, single submitter. Criteria: ACMG Guidelines, 2015. Collection method: clinical testing. Allele origin: germline.